The following is an entry in ClinVar:

ClinVar aggregate classification (germline): Uncertain significance (1 of 4 stars; one submission).

Conditions:
Cardiovascular phenotype. Identifiers: MedGen CN230736.

Allele frequency attached by ClinVar (database versions not stated): gnomAD exomes below 0.00001; ExAC 0.00001; TOPMed 0.00004; gnomAD 0.00005.
gnomAD v4.1: 14 of 1,613,980 alleles (0.00087%); highest among the groups gnomAD compares: African/African-American, 0.019%; no homozygotes.

Submission:

Ambry Genetics
Classification: Uncertain significance for Cardiovascular phenotype. Last evaluated: 2018-12-03. Review status: criteria provided, single submitter. Criteria: Ambry Variant Classification Scheme 2023. Collection method: clinical testing. Allele origin: germline.
Comment: The p.E3062D variant (also known as c.9186G>T), located in coding exon 38 of the TTN gene, results from a G to T substitution at nucleotide position 9186. The glutamic acid at codon 3062 is replaced by aspartic acid, an amino acid with highly similar properties. This amino acid position is highly conserved in available vertebrate species. In addition, this alteration is predicted to be tolerated by in silico analysis. Since supporting evidence is limited at this time, the clinical significance of this alteration remains unclear.

NM_001267550.2(TTN):c.9324G>T (p.Glu3108Asp)

Gene: TTN (titin; minus strand). Cytogenetic location: 2q31.2.
Variant type: single nucleotide variant.
Coding change: c.9324G>T on transcript NM_001267550.2 (MANE Select); coding-DNA position 9324, G replaced by T.
Protein change: p.Glu3108Asp; replaces glutamic acid 3108 with aspartic acid.
Molecular consequence: missense variant.
Genome position (GRCh38, 1-based): chr2:178,767,906, C>A on the plus strand (G>T on the coding strand, the complement: TTN is on the minus strand). VCF-style: chr2-178767906-C-A. GRCh37 (hg19) VCF-style: chr2-179632633-C-A.
Other names: c.9324G>T, p.Glu3108Asp (NM_001256850.1, NM_133378.4, NM_133379.5); c.9186G>T, p.Glu3062Asp (NM_003319.4, NM_133432.3, NM_133437.4); short protein forms E3062D, E3108D.
Identifiers: ClinVar variation 1766094 (VCV001766094.2), dbSNP rs756206178, ClinGen allele CA2004357.
Genomic context (GRCh38, chr2:178,767,906, plus strand): 5'-TGTGTACTTCCCAGCATCAGACATCCGGGTGGATGGGATCAGAAGGCGGTGGACATATTT[C>A]TCCTTCTGAATCTTTATTCTATGGATGAAATGGAAATTCGAGTTTACCGTATGGTGATTC-3'
Protein context (NP_001254479.2, residues 3098-3118): QITDRIKIQK[Glu3108Asp]KYVHRLLIPS